The following is an entry in ClinVar:

ClinVar aggregate classification (germline): Uncertain significance. Review status: criteria provided, multiple submitters, no conflicts (2 of 4 stars). 2 submissions from 2 submitters: Uncertain significance (2). Last evaluated 2022-11-01.

Conditions:
Inborn genetic diseases. Identifiers: MedGen C0950123, MeSH D030342.

Allele frequency attached by ClinVar (database versions not stated): gnomAD exomes 0.00002; ExAC 0.00002; gnomAD 0.00004; TOPMed 0.00002.
gnomAD v4.1: 33 of 1,613,848 alleles (0.002%); highest among the groups gnomAD compares: East Asian, 0.0045%; no homozygotes.

Submissions (2):

Ambry Genetics
Classification: Uncertain significance for Inborn genetic diseases. Last evaluated: 2022-11-01. Review status: criteria provided, single submitter. Criteria: Ambry Variant Classification Scheme 2023. Collection method: clinical testing. Allele origin: germline.

Labcorp Genetics (formerly Invitae), Labcorp
Classification: Uncertain significance. Last evaluated: 2022-03-10. Review status: criteria provided, single submitter. Criteria: Invitae Variant Classification Sherloc (09022015). Collection method: clinical testing. Allele origin: germline.
Comment: This sequence change replaces arginine, which is basic and polar, with histidine, which is basic and polar, at codon 824 of the MYO5B protein (p.Arg824His). This variant is present in population databases (rs771274382, gnomAD 0.007%). This variant has not been reported in the literature in individuals affected with MYO5B-related conditions. Algorithms developed to predict the effect of missense changes on protein structure and function are either unavailable or do not agree on the potential impact of this missense change (SIFT: "Deleterious"; PolyPhen-2: "Benign"; Align-GVGD: "Class C0"). In summary, the available evidence is currently insufficient to determine the role of this variant in disease. Therefore, it has been classified as a Variant of Uncertain Significance.

NM_001080467.3(MYO5B):c.2471G>A (p.Arg824His)

Gene: MYO5B (myosin VB; minus strand). Cytogenetic location: 18q21.1.
Variant type: single nucleotide variant.
Coding change: c.2471G>A on transcript NM_001080467.3 (MANE Select); coding-DNA position 2471, G replaced by A.
Protein change: p.Arg824His; replaces arginine 824 with histidine.
Molecular consequence: missense variant.
Genome position (GRCh38, 1-based): chr18:49,904,772, C>T on the plus strand (G>A on the coding strand, the complement: MYO5B is on the minus strand). VCF-style: chr18-49904772-C-T. GRCh37 (hg19) VCF-style: chr18-47431142-C-T.
Other names: c.2471G>A (NM_001080467.2); short protein forms R824H.
Identifiers: ClinVar variation 1468202 (VCV001468202.4), dbSNP rs771274382, ClinGen allele CA8961062.